The following is an entry in ClinVar:

ClinVar aggregate classification (germline): Likely pathogenic (1 of 4 stars; one submission).

Conditions:
Multiple acyl-CoA dehydrogenase deficiency (MADD). Also called: ETHYLMALONIC-ADIPICACIDURIA; GA II; Glutaric aciduria, type 2; Glutaric acidemia type II; GA 2; Glutaric Acidemia type 2. Identifiers: Orphanet 26791, MedGen C0268596, MONDO:0009282, OMIM 231680.

Allele frequency attached by ClinVar (database versions not stated): gnomAD exomes below 0.00001.
gnomAD v4.1: 1 of 1,609,394 alleles (0.000062%); highest among the groups gnomAD compares: Non-Finnish European, 0.000085%; no homozygotes.

Submission:

Labcorp Genetics (formerly Invitae), Labcorp
Classification: Likely pathogenic for Multiple acyl-CoA dehydrogenase deficiency. Last evaluated: 2023-10-17. Review status: criteria provided, single submitter. Criteria: Invitae Variant Classification Sherloc (09022015). Collection method: clinical testing. Allele origin: germline.
Comment: This sequence change affects a donor splice site in intron 4 of the ETFA gene. It is expected to disrupt RNA splicing. Variants that disrupt the donor or acceptor splice site typically lead to a loss of protein function (PMID: 16199547), and loss-of-function variants in ETFA are known to be pathogenic (PMID: 16510302, 23785301). This variant is not present in population databases (gnomAD no frequency). This variant has not been reported in the literature in individuals affected with ETFA-related conditions. Algorithms developed to predict the effect of sequence changes on RNA splicing suggest that this variant may disrupt the consensus splice site. In summary, the currently available evidence indicates that the variant is pathogenic, but additional data are needed to prove that conclusively. Therefore, this variant has been classified as Likely Pathogenic.

Literature cited by the submitters: PubMed 16199547; PubMed 16510302; PubMed 23785301.

NM_000126.4(ETFA):c.351+1G>A

Gene: ETFA (electron transfer flavoprotein subunit alpha; minus strand). Cytogenetic location: 15q24.2.
Variant type: single nucleotide variant.
Coding change: c.351+1G>A on transcript NM_000126.4 (MANE Select); the canonical splice donor site of the intron after coding-DNA position 351, G replaced by A.
Molecular consequence: splice donor variant.
Genome position (GRCh38, 1-based): chr15:76,292,430, C>T on the plus strand (G>A on the coding strand, the complement: ETFA is on the minus strand). VCF-style: chr15-76292430-C-T. GRCh37 (hg19) VCF-style: chr15-76584771-C-T.
Other names: c.204+1G>A (NM_001127716.2).
Identifiers: ClinVar variation 2769582 (VCV002769582.3), dbSNP rs2543032160, ClinGen allele CA393516623.
Genomic context (GRCh38, chr15:76,292,430, plus strand): 5'-CACAATGAAATCTAACCCTTTCAAGCAGTGATATCAGATTCCACATTCTCAACCTTCTCA[C>T]CTTTCCGAAGGCAGATGCTCCAGCACAGATGTGTGTGTAATTGAACTGCTTCTGAGTTGC-3'